The following is an entry in ClinVar:

ClinVar aggregate classification (germline): Uncertain significance (0 of 4 stars; one submission).

Conditions:
COL4A2-related disorder. Also called: COL4A2-related disorders; COL4A2-related condition.

Allele frequency attached by ClinVar (database versions not stated): gnomAD 0.00003; TOPMed 0.00004; ExAC 0.00005; 1000 Genomes Project 30x 0.00016; 1000 Genomes Project 0.00020.
gnomAD v4.1: 9 of 1,593,914 alleles (0.00056%); highest among the groups gnomAD compares: African/African-American, 0.0094%; no homozygotes.

Submission:

PreventionGenetics, part of Exact Sciences
Classification: Uncertain significance for COL4A2-related condition. Last evaluated: 2024-06-25. Review status: no assertion criteria provided. Collection method: clinical testing. Allele origin: germline.
Comment: The COL4A2 c.121C>T variant is predicted to result in the amino acid substitution p.Pro41Ser. To our knowledge, this variant has not been reported in the literature. This variant is reported in 0.014% of alleles in individuals of African descent in gnomAD. At this time, the clinical significance of this variant is uncertain due to the absence of conclusive functional and genetic evidence.

NM_001846.4(COL4A2):c.121C>T (p.Pro41Ser)

Gene: COL4A2 (collagen type IV alpha 2 chain; plus strand). Cytogenetic location: 13q34.
Variant type: single nucleotide variant.
Coding change: c.121C>T on transcript NM_001846.4 (MANE Select); coding-DNA position 121, C replaced by T.
Protein change: p.Pro41Ser; replaces proline 41 with serine.
Molecular consequence: missense variant.
Genome position (GRCh38, 1-based): chr13:110,357,493, C>T. VCF-style: chr13-110357493-C-T. GRCh37 (hg19) VCF-style: chr13-111009840-C-T.
Other names: short protein forms P41S.
Identifiers: ClinVar variation 2631960 (VCV002631960.2), dbSNP rs540581830, ClinGen allele CA7048782.